The following is an entry in ClinVar:

ClinVar aggregate classification (germline): Likely pathogenic (1 of 4 stars; one submission).

Conditions:
Classic homocystinuria. Also called: Homocystinuria due to Cystathionine Beta-Synthase Deficiency; HOMOCYSTINURIA WITH OR WITHOUT RESPONSE TO PYRIDOXINE; Homocystinuria due to CBS deficiency; Cystathionine beta-synthase deficiency; CBS deficiency. Identifiers: Orphanet 394, MedGen C0751202, MONDO:0009352, OMIM 236200.

Submission:

Laboratory for Molecular Medicine, Mass General Brigham Personalized Medicine
Classification: Likely pathogenic for Classic homocystinuria. Last evaluated: 2022-06-30. Review status: criteria provided, single submitter. Criteria: ACMG Guidelines, 2015. Collection method: clinical testing. Allele origin: germline.
Comment: The c.210-2A>C variant in CBS has not been previously reported in individuals with classic homocystinuria and was absent from large population studies. This variant occurs within the canonical splice site (+/- 1,2) and is predicted to cause altered splicing leading to an abnormal or absent protein. Loss of function of the CBS gene is an established disease mechanism in autosomal recessive homocystinuria. In summary, although additional studies are required to fully establish its clinical significance, this variant meets criteria to be classified as likely pathogenic for autosomal recessive classic homocystinuria. ACMG/AMP criteria applied: PVS1_Strong, PM2_Supporting.

NM_000071.3(CBS):c.210-2A>C

Gene: CBS (cystathionine beta-synthase; minus strand). Cytogenetic location: 21q22.3.
Variant type: single nucleotide variant.
Coding change: c.210-2A>C on transcript NM_000071.3 (MANE Select); the canonical splice acceptor site of the intron before coding-DNA position 210, A replaced by C.
Molecular consequence: splice acceptor variant.
Genome position (GRCh38, 1-based): chr21:43,068,617, T>G on the plus strand (A>C on the coding strand, the complement: CBS is on the minus strand). VCF-style: chr21-43068617-T-G. GRCh37 (hg19) VCF-style: chr21-44488727-T-G.
Other names: c.210-2A>C (NM_001320298.2, NM_001178009.3, NM_001178008.3).
Identifiers: ClinVar variation 3075861 (VCV003075861.1), dbSNP rs2517470463, ClinGen allele CA410602210.